The following is an entry in ClinVar:

ClinVar aggregate classification (germline): Uncertain significance (1 of 4 stars; one submission).

Conditions:
Familial thoracic aortic aneurysm and aortic dissection (TAAD). Also called: Thoracic aortic aneurysms and dissections. Identifiers: Orphanet 91387, MedGen C4707243, MONDO:0019625.

Allele frequency attached by ClinVar (database versions not stated): TOPMed below 0.00001; gnomAD 0.00001.

Submission:

Ambry Genetics
Classification: Uncertain significance for Familial thoracic aortic aneurysm and aortic dissection. Last evaluated: 2015-11-18. Review status: criteria provided, single submitter. Criteria: Ambry Variant Classification Scheme 2023. Collection method: clinical testing. Allele origin: germline.
Comment: The p.M1403R variant (also known as c.4208T>G), located in coding exon 24 of the FLNA gene, results from a T to G substitution at nucleotide position 4208. The methionine at codon 1403 is replaced by arginine, an amino acid with similar properties. This variant was not reported in population based cohorts in the following databases: Database of Single Nucleotide Polymorphisms (dbSNP), NHLBI Exome Sequencing Project (ESP), and 1000 Genomes Project. In the ESP, this variant was not observed in 6243 samples with coverage at this position. This amino acid position is not well conserved in available vertebrate species. In addition, this alteration is predicted to be tolerated by in silico analysis. Since supporting evidence is limited at this time, the clinical significance of this variant remains unclear.

NM_001110556.2(FLNA):c.4208T>G (p.Met1403Arg)

Gene: FLNA (filamin A; minus strand). Cytogenetic location: Xq28.
Variant type: single nucleotide variant.
Coding change: c.4208T>G on transcript NM_001110556.2 (MANE Select); coding-DNA position 4208, T replaced by G.
Protein change: p.Met1403Arg; replaces methionine 1403 with arginine.
Molecular consequence: missense variant.
Genome position (GRCh38, 1-based): chrX:154,359,341, A>C on the plus strand (T>G on the coding strand, the complement: FLNA is on the minus strand). VCF-style: chrX-154359341-A-C. GRCh37 (hg19) VCF-style: chrX-153587709-A-C.
Other names: c.4208T>G, p.Met1403Arg (NM_001456.4); short protein forms M1403R.
Identifiers: ClinVar variation 264491 (VCV000264491.5), dbSNP rs886039174, ClinGen allele CA10587970.